The following is an entry in ClinVar:

ClinVar aggregate classification (germline): Uncertain significance (1 of 4 stars; one submission).

Conditions:
Developmental and epileptic encephalopathy, 32 (DEE32). Also called: Epileptic encephalopathy, early infantile, 32. Identifiers: Orphanet 442835, MedGen C4225350, MONDO:0014607, OMIM 616366.

gnomAD v4.1: 1 of 1,614,130 alleles (0.000062%); highest among the groups gnomAD compares: Non-Finnish European, 0.000085%; no homozygotes.

Submission:

Labcorp Genetics (formerly Invitae), Labcorp
Classification: Uncertain significance for Developmental and epileptic encephalopathy, 32. Last evaluated: 2022-07-12. Review status: criteria provided, single submitter. Criteria: Invitae Variant Classification Sherloc (09022015). Collection method: clinical testing. Allele origin: germline.
Comment: In summary, the available evidence is currently insufficient to determine the role of this variant in disease. Therefore, it has been classified as a Variant of Uncertain Significance. Advanced modeling of protein sequence and biophysical properties (such as structural, functional, and spatial information, amino acid conservation, physicochemical variation, residue mobility, and thermodynamic stability) performed at Invitae indicates that this missense variant is not expected to disrupt KCNA2 protein function. ClinVar contains an entry for this variant (Variation ID: 1508734). This variant has not been reported in the literature in individuals affected with KCNA2-related conditions. This variant is not present in population databases (gnomAD no frequency). This sequence change replaces alanine, which is neutral and non-polar, with serine, which is neutral and polar, at codon 281 of the KCNA2 protein (p.Ala281Ser).

NM_004974.4(KCNA2):c.841G>T (p.Ala281Ser)

Gene: KCNA2 (potassium voltage-gated channel subfamily A member 2; minus strand). Cytogenetic location: 1p13.3.
Variant type: single nucleotide variant.
Coding change: c.841G>T on transcript NM_004974.4 (MANE Select); coding-DNA position 841, G replaced by T.
Protein change: p.Ala281Ser; replaces alanine 281 with serine.
Molecular consequence: missense variant.
Genome position (GRCh38, 1-based): chr1:110,603,942, C>A on the plus strand (G>T on the coding strand, the complement: KCNA2 is on the minus strand). VCF-style: chr1-110603942-C-A. GRCh37 (hg19) VCF-style: chr1-111146564-C-A.
Other names: c.841G>T, p.Ala281Ser (NM_001204269.2); short protein forms A281S.
Identifiers: ClinVar variation 1508734 (VCV001508734.8), dbSNP rs753926939, ClinGen allele CA341603073.